The following is an entry in ClinVar:

ClinVar aggregate classification (germline): Uncertain significance. Review status: criteria provided, multiple submitters, no conflicts (2 of 4 stars). 2 submissions from 2 submitters: Uncertain significance (2). Last evaluated 2026-01-06.

Conditions:
Hereditary cancer-predisposing syndrome. Also called: Neoplastic Syndromes, Hereditary; Hereditary Cancer Syndrome; Hereditary neoplastic syndrome; Tumor predisposition. Identifiers: Orphanet 140162, MedGen C0027672, MeSH D009386, MONDO:0015356.
EGFR-related lung cancer (EGFR). Identifiers: MedGen CN130014.

Allele frequency attached by ClinVar (database versions not stated): gnomAD exomes below 0.00001.
gnomAD v4.1: 3 of 1,613,244 alleles (0.00019%); highest among the groups gnomAD compares: South Asian, 0.0011%; no homozygotes.

Submissions (2):

Labcorp Genetics (formerly Invitae), Labcorp
Classification: Uncertain significance for EGFR-related lung cancer. Last evaluated: 2026-01-06. Review status: criteria provided, single submitter. Criteria: Invitae Variant Classification Sherloc (09022015). Collection method: clinical testing. Allele origin: germline.
Comment: This sequence change falls in intron 24 of the EGFR gene. It does not directly change the encoded amino acid sequence of the EGFR protein. It affects a nucleotide within the consensus splice site. This variant is not present in population databases (gnomAD no frequency). This variant has not been reported in the literature in individuals affected with EGFR-related conditions. ClinVar contains an entry for this variant (Variation ID: 1436897). Variants that disrupt the consensus splice site are a relatively common cause of aberrant splicing (PMID: 17576681, 9536098). Algorithms developed to predict the effect of sequence changes on RNA splicing suggest that this variant is not likely to affect RNA splicing. In summary, the available evidence is currently insufficient to determine the role of this variant in disease. Therefore, it has been classified as a Variant of Uncertain Significance.

Ambry Genetics
Classification: Uncertain significance for Hereditary cancer-predisposing syndrome. Last evaluated: 2025-06-10. Review status: criteria provided, single submitter. Criteria: Ambry Variant Classification Scheme 2023. Collection method: clinical testing. Allele origin: germline.
Comment: The c.2946+5A>G intronic variant results from an A to G substitution 5 nucleotides after coding exon 24 in the EGFR gene. This nucleotide position is well conserved in available vertebrate species. In silico splice site analysis predicts that this alteration will not have any significant effect on splicing. Based on the available evidence, the clinical significance of this variant remains unclear.

Literature cited by the submitters: PubMed 17576681 (cited by Labcorp Genetics (formerly Invitae), Labcorp); PubMed 9536098 (cited by Labcorp Genetics (formerly Invitae), Labcorp).

NM_005228.5(EGFR):c.2946+5A>G

Gene: EGFR (epidermal growth factor receptor; plus strand). Cytogenetic location: 7p11.2.
Variant type: single nucleotide variant.
Coding change: c.2946+5A>G on transcript NM_005228.5 (MANE Select); 5 bases into the intron after coding-DNA position 2946, A replaced by G.
Molecular consequence: intron variant.
Genome position (GRCh38, 1-based): chr7:55,200,418, A>G. VCF-style: chr7-55200418-A-G. GRCh37 (hg19) VCF-style: chr7-55268111-A-G.
Other names: c.2946+5A>G (NM_005228.3, NM_001346898.2); c.2811+5A>G (NM_001346899.2, NM_001346897.2); c.2145+5A>G (NM_001346941.2); c.2787+5A>G (NM_001346900.2).
Identifiers: ClinVar variation 1436897 (VCV001436897.7), dbSNP rs2128970030, ClinGen allele CA2573142275.